The following is an entry in ClinVar:

ClinVar aggregate classification (germline): Conflicting classifications of pathogenicity. Review status: criteria provided, conflicting classifications (1 of 4 stars). 13 submissions from 13 submitters: Uncertain significance (1); Benign (2); Likely benign (6). 4 of the submissions do not count toward it. Last evaluated 2025-12-14.

Conditions:
NBN-related disorder. Also called: NBN-related condition.
Hereditary cancer-predisposing syndrome. Also called: Tumor predisposition; Hereditary Cancer Syndrome; Neoplastic Syndromes, Hereditary; Hereditary neoplastic syndrome. Identifiers: Orphanet 140162, MedGen C0027672, MeSH D009386, MONDO:0015356.
Microcephaly, normal intelligence and immunodeficiency (NBS). Also called: IMMUNODEFICIENCY, MICROCEPHALY, AND CHROMOSOMAL INSTABILITY; SEEMANOVA SYNDROME II; Nijmegen breakage syndrome; Microcephaly with normal intelligence immunodeficiency and lymphoreticular malignancies; Nonsyndromal microcephaly autosomal recessive with normal intelligence; Seemanova syndrome 2. Identifiers: Orphanet 647, MedGen C0398791, MONDO:0009623, OMIM 251260.

Allele frequency attached by ClinVar (database versions not stated): gnomAD below 0.00001 and 0.00009; TOPMed 0.00002; gnomAD exomes 0.00022 and 0.00039; 1000 Genomes Project 30x 0.00031; ExAC 0.00039; 1000 Genomes Project 0.00040.
gnomAD v4.1: 346 of 1,613,778 alleles (0.021%); highest among the groups gnomAD compares: South Asian, 0.36%; 2 homozygotes.

Submissions (13):

Labcorp Genetics (formerly Invitae), Labcorp
Classification: Benign for Microcephaly, normal intelligence and immunodeficiency. Last evaluated: 2025-12-14. Review status: criteria provided, single submitter. Criteria: Invitae Variant Classification Sherloc (09022015). Collection method: clinical testing. Allele origin: germline.

Revvity Omics, Revvity
Classification: Likely benign. Last evaluated: 2024-03-11. Review status: criteria provided, single submitter. Criteria: ACMG Guidelines, 2015. Collection method: clinical testing. Allele origin: germline.

Institute for Biomarker Research, Medical Diagnostic Laboratories, L.L.C.
Classification: Uncertain significance for Hereditary cancer-predisposing syndrome. Last evaluated: 2023-09-05. Review status: criteria provided, single submitter. Criteria: ACMG Guidelines, 2015. Collection method: clinical testing. Allele origin: germline.

Ambry Genetics
Classification: Benign for Hereditary cancer-predisposing syndrome. Last evaluated: 2022-12-07. Review status: criteria provided, single submitter. Criteria: Ambry Variant Classification Scheme 2023. Collection method: clinical testing. Allele origin: germline.

Sema4
Classification: Likely benign for Hereditary cancer-predisposing syndrome. Last evaluated: 2021-09-03. Review status: criteria provided, single submitter. Criteria: Sema4 Curation Guidelines. Collection method: curation. Allele origin: germline.

Genome-Nilou Lab
Classification: Likely benign for Microcephaly, normal intelligence and immunodeficiency. Last evaluated: 2021-05-18. Review status: criteria provided, single submitter. Criteria: ACMG Guidelines, 2015. Collection method: clinical testing. Allele origin: germline. Affected: no.

GeneDx
Classification: Likely benign. Last evaluated: 2020-10-22. Review status: criteria provided, single submitter. Criteria: GeneDx Variant Classification Process June 2021. Collection method: clinical testing. Allele origin: germline. Affected: yes.
Comment: In silico analysis supports that this missense variant has a deleterious effect on protein structure/function; This variant is associated with the following publications: (PMID: 24728327, 31278556)

Women's Health and Genetics/Laboratory Corporation of America, LabCorp
Classification: Likely benign. Last evaluated: 2020-10-22. Review status: criteria provided, single submitter. Criteria: LabCorp Variant Classification Summary - May 2015. Collection method: clinical testing. Allele origin: germline.
Comment: Variant summary: NBN c.758C>T (p.Thr253Ile) results in a non-conservative amino acid change located in the Nibrin, second BRCT domain of the encoded protein sequence. Four of five in-silico tools predict a benign effect of the variant on protein function. The variant allele was found at a frequency of 0.00041 in 251260 control chromosomes, predominantly at a frequency of 0.0032 within the South Asian subpopulation in the gnomAD database, including 1 homozygote. The observed variant frequency within South Asian control individuals in the gnomAD database is approximately 1.3- fold the estimated maximal expected allele frequency for a pathogenic variant in NBN causing Nijmegen Breakage Syndrome phenotype (0.0025), suggesting that the variant is a benign polymorphism found primarily in populations of South Asian origin. c.758C>T has been reported in the literature in healthy individuals (e.g. Bodian_2014) and at least one cancer cell line (e.g. Sun_2018). These reports do not provide unequivocal conclusions about association of the variant with Nijmegen Breakage Syndrome. To our knowledge, no experimental evidence demonstrating an impact on protein function has been reported. Six other clinical diagnostic laboratories have submitted clinical-significance assessments for this variant to ClinVar after 2014 without evidence for independent evaluation, citing the variant as benign/ likely benign (n=4) and uncertain significance (n=2). Based on the evidence outlined above, the variant was classified as likely benign.

Quest Diagnostics Nichols Institute San Juan Capistrano
Classification: Likely benign. Last evaluated: 2020-10-01. Review status: criteria provided, single submitter. Criteria: Quest Diagnostics criteria. Collection method: clinical testing. Allele origin: unknown.

PreventionGenetics, part of Exact Sciences
Classification: Likely benign for NBN-related condition. Last evaluated: 2021-05-11. Review status: no assertion criteria provided. Collection method: clinical testing. Allele origin: germline. Not counted in ClinVar's aggregate classification.
Comment: This variant is classified as likely benign based on ACMG/AMP sequence variant interpretation guidelines (Richards et al. 2015 PMID: 25741868, with internal and published modifications).

Counsyl
Classification: Likely benign for Microcephaly, normal intelligence and immunodeficiency. Last evaluated: 2017-12-20. Review status: no assertion criteria provided. Collection method: clinical testing. Allele origin: unknown. Not counted in ClinVar's aggregate classification.

ITMI
No classification provided. Condition: AllHighlyPenetrant. Last evaluated: 2013-09-19. Review status: no classification provided. Collection method: reference population. Allele origin: germline. Not counted in ClinVar's aggregate classification.
Comment: Please see associated publication for description of ethnicities

Department of Pathology and Laboratory Medicine, Sinai Health System
Classification: Likely benign. Review status: no assertion criteria provided. Collection method: clinical testing. Allele origin: unknown. Affected: yes. Observed: 1 variant allele. Study: The Canadian Open Genetics Repository (COGR). Not counted in ClinVar's aggregate classification.
Comment: The NBN p.Thr253Ile variant was identified in the literature from healthy individuals in 3 of 1362 control chromosomes (frequency: 0.002) (Bodian 2014). The variant was also identified in the following databases: dbSNP (ID: rs61754967) as "With Uncertain significance allele", ClinVar (2x uncertain significance, 2x likely benign), Clinvitae (2x uncertain significance, 1x likely benign), and the Zhejiang Colon Cancer Database. The variant was not identified in the Cosmic or LOVD 3.0 databases. The variant was identified in control databases in 100 of 276924 chromosomes (1 homozygous) at a frequency of 0.0004 (Genome Aggregation Database Feb 27, 2017). Breakdown of the observations by population include Other in 1 of 6454 chromosomes (freq: 0.0002) and South Asian in 99 of 30782 chromosomes (freq: 0.003). The variant was not observed in the African, Latino, European, Ashkenazi Jewish, East Asian, or Finnish populations. The p.Thr253 residue is not conserved in mammals and computational analyses (PolyPhen-2, SIFT, AlignGVGD, BLOSUM, MutationTaster) provide inconsistent predictions regarding the impact to the protein; this information is not very predictive of pathogenicity. The variant occurs outside of the splicing consensus sequence and in silico or computational prediction software programs (SpliceSiteFinder, MaxEntScan, NNSPLICE, GeneSplicer, HumanSpliceFinder) do not predict a difference in splicing. In summary, based on the above information the clinical significance of this variant cannot be determined with certainty at this time although we would lean towards a more benign role for this variant. This variant is classified as likely benign.

Literature cited by the submitters: PubMed 24728327 (cited by 4 submitters); PubMed 36346689 (cited by Ambry Genetics); PubMed 29415044 (cited by Women's Health and Genetics/Laboratory Corporation of America, LabCorp); PubMed 31278556 (cited by Women's Health and Genetics/Laboratory Corporation of America, LabCorp and Quest Diagnostics Nichols Institute San Juan Capistrano).

NM_002485.5(NBN):c.758C>T (p.Thr253Ile)

Gene: NBN (nibrin; minus strand). Cytogenetic location: 8q21.3.
Variant type: single nucleotide variant.
Coding change: c.758C>T on transcript NM_002485.5 (MANE Select); coding-DNA position 758, C replaced by T.
Protein change: p.Thr253Ile; replaces threonine 253 with isoleucine.
Molecular consequence: missense variant.
Genome position (GRCh38, 1-based): chr8:89,970,502, G>A on the plus strand (C>T on the coding strand, the complement: NBN is on the minus strand). VCF-style: chr8-89970502-G-A. GRCh37 (hg19) VCF-style: chr8-90982730-G-A.
Other names: p.T253I:ACA>ATA; c.512C>T, p.Thr171Ile (NM_001024688.3); short protein forms T253I, T171I.
Identifiers: ClinVar variation 127879 (VCV000127879.37), dbSNP rs61754967, ClinGen allele CA160999.